The following is an entry in ClinVar:

NM_005379.4(MYO1A):c.2390C>T (p.Ser797Phe)

Gene: MYO1A (myosin IA; minus strand). Cytogenetic location: 12q13.3.
Variant type: single nucleotide variant.
Coding change: c.2390C>T on transcript NM_005379.4 (MANE Select); coding-DNA position 2390, C replaced by T.
Protein change: p.Ser797Phe; replaces serine 797 with phenylalanine.
Molecular consequence: missense variant.
Genome position (GRCh38, 1-based): chr12:57,031,134, G>A on the plus strand (C>T on the coding strand, the complement: MYO1A is on the minus strand). VCF-style: chr12-57031134-G-A. GRCh37 (hg19) VCF-style: chr12-57424918-G-A.
Other names: c.2390C>T, p.Ser797Phe (NM_001256041.2); short protein forms S797F.
Identifiers: ClinVar variation 178620 (VCV000178620.39), dbSNP rs113470661, ClinGen allele CA182680.
Genomic context (GRCh38, chr12:57,031,134, plus strand): 5'-TTTGCTGTGCTGAGGCACTTGTAGGGGGCGGCTGGCCATGTCTTGTCTAAGACGTTTGTG[G>A]ATGGCAAATTGTTCTTCAGCCCCAGTAGGAATTTCTGTACCTAGTTTGGGACCAGGGGGA-3'
Protein context (NP_005370.1, residues 787-807): FLLGLKNNLP[Ser797Phe]TNVLDKTWPA

ClinVar aggregate classification (germline): Benign/Likely benign. Review status: criteria provided, multiple submitters, no conflicts (2 of 4 stars). 9 submissions from 9 submitters: Benign (4); Likely benign (3). 2 of the submissions do not count toward it. Last evaluated 2024-10-01.

Allele frequency attached by ClinVar (database versions not stated): 1000 Genomes Project 0.00140; 1000 Genomes Project 30x 0.00172; TOPMed 0.00374; gnomAD exomes 0.00451 and 0.00612; ExAC 0.00466; gnomAD 0.00494 and 0.00506; ESP Exome Variant Server 0.00523.
gnomAD v4.1: 9,673 of 1,614,148 alleles (0.6%); highest among the groups gnomAD compares: Non-Finnish European, 0.72%; 37 homozygotes.

Submissions (9):

CeGaT Center for Human Genetics Tuebingen
Classification: Likely benign. Last evaluated: 2024-10-01. Review status: criteria provided, single submitter. Criteria: CeGaT Center For Human Genetics Tuebingen Variant Classification Criteria Version 2. Collection method: clinical testing. Allele origin: germline. Affected: yes. Observed: 4 variant alleles.
Comment: MYO1A: BP4, BS2

GeneDx
Classification: Benign. Last evaluated: 2021-02-23. Review status: criteria provided, single submitter. Criteria: GeneDx Variant Classification Process June 2021. Collection method: clinical testing. Allele origin: germline. Affected: yes.
Comment: This variant is associated with the following publications: (PMID: 24875298, 25262649, 24616153, 12736868)

Labcorp Genetics (formerly Invitae), Labcorp
Classification: Benign. Last evaluated: 2018-12-10. Review status: criteria provided, single submitter. Criteria: Invitae Variant Classification Sherloc (09022015). Collection method: clinical testing. Allele origin: germline.

Eurofins Ntd Llc (ga)
Classification: Benign. Last evaluated: 2017-06-01. Review status: criteria provided, single submitter. Criteria: EGL Classification Definitions 2015. Collection method: clinical testing. Allele origin: germline. Observed: 2 variant alleles, 2 heterozygotes.

Genomic Diagnostic Laboratory, Division of Genomic Diagnostics, Children's Hospital of Philadelphia
Classification: Benign. Last evaluated: 2015-07-30. Review status: criteria provided, single submitter. Criteria: DGD Variant Analysis Guidelines. Collection method: clinical testing. Allele origin: unknown.

Laboratory for Molecular Medicine, Mass General Brigham Personalized Medicine
Classification: Likely benign. Last evaluated: 2012-05-07. Review status: criteria provided, single submitter. Criteria: LMM Criteria. Collection method: clinical testing. Allele origin: germline. Observed: 3 variant alleles.
Comment: Ser797Phe in Exon 23 of MYO1A: This variant is not expected to have clinical sig nificance because it has been identified in 0.7% (47/7020) of European American chromosomes from a broad population by the NHLBI Exome Sequencing Project (dbSNP rs113470661).

PreventionGenetics, part of Exact Sciences
Classification: Likely benign. Review status: criteria provided, single submitter. Criteria: ACMG Guidelines, 2015. Collection method: clinical testing. Allele origin: germline.

Clinical Genetics DNA and cytogenetics Diagnostics Lab, Erasmus MC, Erasmus Medical Center
Classification: Benign. Review status: no assertion criteria provided. Collection method: clinical testing. Allele origin: germline. Affected: yes. Study: VKGL Data-share Consensus. Not counted in ClinVar's aggregate classification.

Clinical Genetics, Academic Medical Center
Classification: Benign. Review status: no assertion criteria provided. Collection method: clinical testing. Allele origin: germline. Affected: yes. Study: VKGL Data-share Consensus. Not counted in ClinVar's aggregate classification.